The following is an entry in ClinVar:

ClinVar aggregate classification (germline): Likely benign. Review status: criteria provided, single submitter (1 of 4 stars). 2 submissions from 2 submitters: Likely benign (1). 1 of the submissions does not count toward it. Last evaluated 2026-01-26.

Conditions:
SURF1-related disorder. Also called: SURF1-related condition.
Leigh syndrome (NULS). Also called: Leigh's necrotizing encephalopathy; Leigh's disease; Leigh Disease; Leigh Syndrome (mtDNA deletion); Leigh's syndrome; Subacute necrotizing encephalopathy. Identifiers: Orphanet 506, MedGen C2931891, MONDO:0009723, OMIM 256000.

gnomAD v4.1: 18 of 1,613,182 alleles (0.0011%); highest among the groups gnomAD compares: Admixed American, 0.022%; no homozygotes.

Submissions (2):

Labcorp Genetics (formerly Invitae), Labcorp
Classification: Likely benign for Leigh syndrome. Last evaluated: 2026-01-26. Review status: criteria provided, single submitter. Criteria: Invitae Variant Classification Sherloc (09022015). Collection method: clinical testing. Allele origin: germline.

PreventionGenetics, part of Exact Sciences
Classification: Likely benign for SURF1-related condition. Last evaluated: 2019-09-26. Review status: no assertion criteria provided. Collection method: clinical testing. Allele origin: germline. Not counted in ClinVar's aggregate classification.
Comment: This variant is classified as likely benign based on ACMG/AMP sequence variant interpretation guidelines (Richards et al. 2015 PMID: 25741868, with internal and published modifications).

NM_003172.4(SURF1):c.573C>T (p.Thr191=)

Gene: SURF1 (SURF1 cytochrome c oxidase assembly factor; minus strand). Cytogenetic location: 9q34.2.
Variant type: single nucleotide variant.
Coding change: c.573C>T on transcript NM_003172.4 (MANE Select); coding-DNA position 573, C replaced by T.
Protein change: p.Thr191=; no amino-acid change (threonine 191 retained).
Molecular consequence: synonymous variant.
Genome position (GRCh38, 1-based): chr9:133,352,709, G>A on the plus strand (C>T on the coding strand, the complement: SURF1 is on the minus strand). VCF-style: chr9-133352709-G-A. GRCh37 (hg19) VCF-style: chr9-136219564-G-A.
Other names: c.246C>T, p.Thr82= (NM_001280787.1); c.573C>T (NM_003172.3).
Identifiers: ClinVar variation 2146090 (VCV002146090.6), dbSNP rs28715079, ClinGen allele CA200832502.